The following is an entry in ClinVar:

NM_001127464.1:c.5992C>A

Gene: ZNF469 (zinc finger protein 469; plus strand).
Variant type: single nucleotide variant.
Identifiers: ClinVar variation 4826334 (VCV004826334.1).

ClinVar aggregate classification (germline): Uncertain significance (1 of 4 stars; one submission).

Conditions:
Cardiovascular phenotype. Identifiers: MedGen CN230736.

Submission:

Ambry Genetics
Classification: Uncertain significance for Cardiovascular phenotype. Last evaluated: 2026-03-12. Review status: criteria provided, single submitter. Criteria: Ambry Variant Classification Scheme 2023. Collection method: clinical testing. Allele origin: germline.
Comment: The p.L1998M variant (also known as c.5992C>A), located in coding exon 2 of the ZNF469 gene, results from a C to A substitution at nucleotide position 5992. The leucine at codon 1998 is replaced by methionine, an amino acid with highly similar properties. This amino acid position is conserved. In addition, this alteration is predicted to be tolerated by in silico analysis. Based on the available evidence, the clinical significance of this variant remains unclear.